The following is an entry in ClinVar:

NM_182914.3(SYNE2):c.11839A>C (p.Ile3947Leu)

Gene: SYNE2 (spectrin repeat containing nuclear envelope protein 2; plus strand). Cytogenetic location: 14q23.2.
Variant type: single nucleotide variant.
Coding change: c.11839A>C on transcript NM_182914.3 (MANE Select); coding-DNA position 11839, A replaced by C.
Protein change: p.Ile3947Leu; replaces isoleucine 3947 with leucine.
Molecular consequence: missense variant.
Genome position (GRCh38, 1-based): chr14:64,090,911, A>C. VCF-style: chr14-64090911-A-C. GRCh37 (hg19) VCF-style: chr14-64557629-A-C.
Other names: c.11839A>C, p.Ile3947Leu (NM_015180.6); short protein forms I3947L.
Identifiers: ClinVar variation 4821311 (VCV004821311.4).

ClinVar aggregate classification (germline): Uncertain significance (1 of 4 stars; one submission).

Submission:

CeGaT Center for Human Genetics Tuebingen
Classification: Uncertain significance. Last evaluated: 2025-12-01. Review status: criteria provided, single submitter. Criteria: CeGaT Center For Human Genetics Tuebingen Variant Classification Criteria Version 2. Collection method: clinical testing. Allele origin: germline. Affected: yes. Observed: 1 variant allele.
Comment: SYNE2: PM2, BP4